The following is an entry in ClinVar:

ClinVar aggregate classification (germline): Likely benign (1 of 4 stars; one submission).

Conditions:
RAI1-related disorder. Also called: RAI1-related condition.

Submission:

PreventionGenetics, part of Exact Sciences
Classification: Likely benign for RAI1-related condition. Last evaluated: 2026-08-04. Review status: criteria provided, single submitter. Criteria: ACMG Guidelines, 2015. Collection method: clinical testing. Allele origin: germline.
Comment: This variant is classified as likely benign based on ACMG/AMP sequence variant interpretation guidelines (Richards et al. 2015 PMID: 25741868, with internal and published modifications).

NM_030665.4(RAI1):c.4914C>T (p.Ser1638=)

Gene: RAI1 (retinoic acid induced 1; plus strand). Cytogenetic location: 17p11.2.
Variant type: single nucleotide variant.
Coding change: c.4914C>T on transcript NM_030665.4 (MANE Select); coding-DNA position 4914, C replaced by T.
Protein change: p.Ser1638=; no amino-acid change (serine 1638 retained).
Molecular consequence: synonymous variant.
Genome position (GRCh38, 1-based): chr17:17,797,862, C>T. VCF-style: chr17-17797862-C-T. GRCh37 (hg19) VCF-style: chr17-17701176-C-T.
Identifiers: ClinVar variation 4995584 (VCV004995584.1).